The following is an entry in ClinVar:

ClinVar aggregate classification (germline): Benign. Review status: criteria provided, multiple submitters, no conflicts (2 of 4 stars). 2 submissions from 2 submitters: Benign (2). Last evaluated 2016-01-18.

Allele frequency attached by ClinVar (database versions not stated): 1000 Genomes Project 30x 0.04685; 1000 Genomes Project 0.04712; gnomAD exomes 0.07980 and 0.09850; TOPMed 0.08021; gnomAD 0.08343 and 0.08598; ExAC 0.08409; ESP Exome Variant Server 0.08841.

Submissions (2):

GeneDx
Classification: Benign. Last evaluated: 2016-01-18. Review status: criteria provided, single submitter. Criteria: GeneDx Variant Classification (06012015). Collection method: clinical testing. Allele origin: germline. Affected: yes.
Comment: This variant is considered likely benign or benign based on one or more of the following criteria: it is a conservative change, it occurs at a poorly conserved position in the protein, it is predicted to be benign by multiple in silico algorithms, and/or has population frequency not consistent with disease.

Breakthrough Genomics
Classification: Benign. Review status: criteria provided, single submitter. Criteria: ACMG Guidelines, 2015. Collection method: not provided. Allele origin: germline. Inheritance: Autosomal recessive inheritance. Affected: yes.

NM_032620.4(GTPBP3):c.*15G>T

Gene: GTPBP3 (GTP binding protein 3, mitochondrial; plus strand). Cytogenetic location: 19p13.11.
Variant type: single nucleotide variant.
Coding change: c.*15G>T on transcript NM_032620.4 (MANE Select); 15 bases downstream of the stop codon, G replaced by T.
Molecular consequence: 3 prime UTR variant.
Genome position (GRCh38, 1-based): chr19:17,341,718, G>T. VCF-style: chr19-17341718-G-T. GRCh37 (hg19) VCF-style: chr19-17452527-G-T.
Other names: c.*15G>T (NM_001128855.3, NM_001195422.1, NM_133644.4).
Identifiers: ClinVar variation 379978 (VCV000379978.2), dbSNP rs919333, ClinGen allele CA9293745.